The following is an entry in ClinVar:

ClinVar aggregate classification (germline): Uncertain significance (1 of 4 stars; one submission).

Submission:

GeneDx
Classification: Uncertain significance. Last evaluated: 2026-03-04. Review status: criteria provided, single submitter. Criteria: GeneDx Variant Classification Process June 2021. Collection method: clinical testing. Allele origin: germline.
Comment: Not observed at significant frequency in large population cohorts (gnomAD); In silico analysis supports that this missense variant has a deleterious effect on protein structure/function; Has not been previously published as pathogenic or benign to our knowledge; In silico analysis suggests this variant may impact gene splicing. In the absence of RNA/functional studies, the actual effect of this sequence change is unknown.

NM_025243.4(SLC19A3):c.460G>A (p.Gly154Arg)

Gene: SLC19A3 (solute carrier family 19 member 3; minus strand). Cytogenetic location: 2q36.3.
Variant type: single nucleotide variant.
Coding change: c.460G>A on transcript NM_025243.4 (MANE Select); coding-DNA position 460, G replaced by A.
Protein change: p.Gly154Arg; replaces glycine 154 with arginine.
Molecular consequence: missense variant.
Genome position (GRCh38, 1-based): chr2:227,699,255, C>T on the plus strand (G>A on the coding strand, the complement: SLC19A3 is on the minus strand). VCF-style: chr2-227699255-C-T. GRCh37 (hg19) VCF-style: chr2-228563971-C-T.
Other names: c.460G>A, p.Gly154Arg (NM_001371411.1, NM_001371412.1); c.448G>A, p.Gly150Arg (NM_001371413.1, NM_001371414.1); short protein forms G150R, G154R.
Identifiers: ClinVar variation 4888129 (VCV004888129.1).